The following is an entry in ClinVar:

NM_001104.4(ACTN3):c.241C>T (p.Leu81=)

Gene: ACTN3 (actinin alpha 3; plus strand). Cytogenetic location: 11q13.2.
Variant type: single nucleotide variant.
Coding change: c.241C>T on transcript NM_001104.4 (MANE Select); coding-DNA position 241, C replaced by T.
Protein change: p.Leu81=; no amino-acid change (leucine 81 retained).
Molecular consequence: synonymous variant.
Genome position (GRCh38, 1-based): chr11:66,551,332, C>T. VCF-style: chr11-66551332-C-T. GRCh37 (hg19) VCF-style: chr11-66318803-C-T.
Other names: c.370C>T, p.Leu124= (NM_001258371.3).
Identifiers: ClinVar variation 2641991 (VCV002641991.24), dbSNP rs187286120, ClinGen allele CA6124232.
Genomic context (GRCh38, chr11:66,551,332, plus strand): 5'-AAGGCAGGCACCCAGATCGAGAACATCGAGGAAGATTTCCGCAATGGCCTCAAACTCATG[C>T]TGCTCCTGGAGGTCATTTCAGGTGAGGATGGCAAATCAGTGCACCTGGGCCCCAGGACCC-3'
Protein context (NP_001095.2, residues 71-91): EDFRNGLKLM[Leu81=]LLEVISGERL

ClinVar aggregate classification (germline): Likely benign (1 of 4 stars; one submission).

Allele frequency attached by ClinVar (database versions not stated): 1000 Genomes Project 30x 0.00109; 1000 Genomes Project 0.00120; TOPMed 0.00555; gnomAD 0.00613; ESP Exome Variant Server 0.00655; gnomAD exomes 0.00788; ExAC 0.00842.
gnomAD v4.1: 12,403 of 1,608,516 alleles (0.77%); highest among the groups gnomAD compares: Non-Finnish European, 0.88%; 68 homozygotes.

Submission:

CeGaT Center for Human Genetics Tuebingen
Classification: Likely benign. Last evaluated: 2023-02-01. Review status: criteria provided, single submitter. Criteria: CeGaT Center For Human Genetics Tuebingen Variant Classification Criteria Version 2. Collection method: clinical testing. Allele origin: germline. Affected: yes. Observed: 4 variant alleles.
Comment: ACTN3: BP4, BP7, BS2